The following is an entry in ClinVar:

NM_001165963.4(SCN1A):c.5699A>G (p.Lys1900Arg)

Genes: SCN1A (sodium voltage-gated channel alpha subunit 1; minus strand), LOC102724058 (uncharacterized LOC102724058; plus strand). Cytogenetic location: 2q24.3.
Variant type: single nucleotide variant.
Coding change: c.5699A>G on transcript NM_001165963.4 (MANE Select); coding-DNA position 5699, A replaced by G.
Protein change: p.Lys1900Arg; replaces lysine 1900 with arginine.
Molecular consequence: missense variant. On other transcripts: non-coding transcript variant (1).
Genome position (GRCh38, 1-based): chr2:165,991,576, T>C on the plus strand (A>G on the coding strand, the complement: SCN1A is on the minus strand). VCF-style: chr2-165991576-T-C. GRCh37 (hg19) VCF-style: chr2-166848086-T-C.
Other names: c.5615A>G, p.Lys1872Arg (NM_001165964.3, NM_001353957.2, NM_001353958.2); c.5699A>G, p.Lys1900Arg (NM_001202435.3, NM_001353948.2); c.5666A>G, p.Lys1889Arg (NM_001353949.2, NM_001353950.2, NM_001353951.2 and 2 more transcripts); c.5663A>G, p.Lys1888Arg (NM_001353954.2, NM_001353955.2); c.5612A>G, p.Lys1871Arg (NM_001353960.2); c.3257A>G, p.Lys1086Arg (NM_001353961.2); short protein forms K1086R, K1900R, K1872R, K1871R, K1888R, K1889R.
Identifiers: ClinVar variation 1899937 (VCV001899937.11), dbSNP rs1308625986, ClinGen allele CA349064655.

ClinVar aggregate classification (germline): Uncertain significance. Review status: criteria provided, multiple submitters, no conflicts (2 of 4 stars). 2 submissions from 2 submitters: Uncertain significance (2). Last evaluated 2025-11-01.

Conditions:
Early-infantile DEE. Also called: Early infantile epileptic encephalopathy with suppression bursts; Ohtahara syndrome; Early infantile epileptic encephalopathy. Identifiers: Orphanet 1934, MedGen C0393706, MONDO:0800491.

Allele frequency attached by ClinVar (database versions not stated): gnomAD exomes below 0.00001; gnomAD 0.00001; TOPMed 0.00001.
gnomAD v4.1: 3 of 1,613,798 alleles (0.00019%); highest among the groups gnomAD compares: Non-Finnish European, 0.00025%; no homozygotes.

Submissions (2):

CeGaT Center for Human Genetics Tuebingen
Classification: Uncertain significance. Last evaluated: 2025-11-01. Review status: criteria provided, single submitter. Criteria: CeGaT Center For Human Genetics Tuebingen Variant Classification Criteria Version 2. Collection method: clinical testing. Allele origin: germline. Affected: yes. Observed: 1 variant allele.
Comment: SCN1A: PM2

Labcorp Genetics (formerly Invitae), Labcorp
Classification: Uncertain significance for Early-infantile DEE. Last evaluated: 2024-03-05. Review status: criteria provided, single submitter. Criteria: Invitae Variant Classification Sherloc (09022015). Collection method: clinical testing. Allele origin: germline.
Comment: This sequence change replaces lysine, which is basic and polar, with arginine, which is basic and polar, at codon 1900 of the SCN1A protein (p.Lys1900Arg). This variant is present in population databases (no rsID available, gnomAD 0.0009%). This variant has not been reported in the literature in individuals affected with SCN1A-related conditions. ClinVar contains an entry for this variant (Variation ID: 1899937). Advanced modeling of protein sequence and biophysical properties (such as structural, functional, and spatial information, amino acid conservation, physicochemical variation, residue mobility, and thermodynamic stability) performed at Invitae indicates that this missense variant is expected to disrupt SCN1A protein function with a positive predictive value of 95%. In summary, the available evidence is currently insufficient to determine the role of this variant in disease. Therefore, it has been classified as a Variant of Uncertain Significance.